The following is an entry in ClinVar:

ClinVar aggregate classification (germline): Pathogenic (1 of 4 stars; one submission).

Conditions:
Desmin-related myofibrillar myopathy (MFM1). Also called: Desminopathy; Desmin related myopathy (former name); Desmin storage myopathy (former name); MYOFIBRILLAR MYOPATHY WITH ARRHYTHMOGENIC RIGHT VENTRICULAR CARDIOMYOPATHY; DESMIN-RELATED MYOPATHY WITH ARRHYTHMOGENIC RIGHT VENTRICULAR CARDIOMYOPATHY; Myofibrillar myopathy 1. Identifiers: Orphanet 363543, Orphanet 98909, MedGen C1832370, MONDO:0011076, OMIM 601419.

Submission:

Labcorp Genetics (formerly Invitae), Labcorp
Classification: Pathogenic for Desmin-related myofibrillar myopathy. Last evaluated: 2025-04-11. Review status: criteria provided, single submitter. Criteria: Invitae Variant Classification Sherloc (09022015). Collection method: clinical testing. Allele origin: germline.
Comment: This sequence change creates a premature translational stop signal (p.Met447Aspfs*15) in the DES gene. While this is not anticipated to result in nonsense mediated decay, it is expected to disrupt the last 24 amino acid(s) of the DES protein. This variant is not present in population databases (gnomAD no frequency). This variant has not been reported in the literature in individuals affected with DES-related conditions. This variant disrupts a region of the DES protein in which other variant(s) (p.Gly456Arg) have been determined to be pathogenic (PMID: 35958417; internal data). This suggests that this is a clinically significant region of the protein, and that variants that disrupt it are likely to be disease-causing. For these reasons, this variant has been classified as Pathogenic.

Literature cited by the submitters: PubMed 35958417.

NM_001927.4(DES):c.1337_1338insC (p.Met447fs)

Gene: DES (desmin; plus strand). Cytogenetic location: 2q35.
Variant type: Insertion.
Coding change: c.1337_1338insC on transcript NM_001927.4 (MANE Select); coding-DNA positions 1337 to 1338, C inserted.
Protein change: p.Met447fs; shifts the reading frame from methionine 447.
Molecular consequence: frameshift variant.
Genome position: GRCh38 VCF-style: chr2-219425711-T-TC. GRCh37 (hg19) VCF-style: chr2-220290433-T-TC.
Other names: c.1334_1335insC, p.Met446fs (NM_001382708.1); c.905_906insC, p.Met303fs (NM_001382709.1); c.1268_1269insC, p.Met424fs (NM_001382710.1); c.1316_1317insC, p.Met440fs (NM_001382711.1); c.1337_1338insC, p.Met447fs (NM_001382712.1); c.1067_1068insC, p.Met357fs (NM_001382713.1); short protein forms M424fs, M447fs, M303fs, M357fs, M440fs, M446fs.
Identifiers: ClinVar variation 4784546 (VCV004784546.1).